The following is an entry in ClinVar:

NM_177438.3(DICER1):c.*20A>G

Gene: DICER1 (dicer 1, ribonuclease III; minus strand). Cytogenetic location: 14q32.13.
Variant type: single nucleotide variant.
Coding change: c.*20A>G on transcript NM_177438.3 (MANE Select); 20 bases downstream of the stop codon, A replaced by G.
Molecular consequence: 3 prime UTR variant.
Genome position (GRCh38, 1-based): chr14:95,090,478, T>C on the plus strand (A>G on the coding strand, the complement: DICER1 is on the minus strand). VCF-style: chr14-95090478-T-C. GRCh37 (hg19) VCF-style: chr14-95556815-T-C.
Other names: c.*136A>G (NM_001195573.1); c.*20A>G (NM_001271282.3, NM_001291628.2, NM_030621.4).
Identifiers: ClinVar variation 388878 (VCV000388878.9), dbSNP rs200095508, ClinGen allele CA7330591.

ClinVar aggregate classification (germline): Likely benign. Review status: criteria provided, multiple submitters, no conflicts (2 of 4 stars). 3 submissions from 3 submitters: Likely benign (3). Last evaluated 2025-03-04.

Allele frequency attached by ClinVar (database versions not stated): TOPMed 0.00008; gnomAD 0.00009 and 0.00010; gnomAD exomes 0.00010; ExAC 0.00012.
gnomAD v4.1: 163 of 1,612,842 alleles (0.01%); highest among the groups gnomAD compares: Non-Finnish European, 0.012%; no homozygotes.

Submissions (3):

Center for Genomic Medicine, Rigshospitalet, Copenhagen University Hospital
Classification: Likely benign. Last evaluated: 2025-03-04. Review status: criteria provided, single submitter. Criteria: ACMG Guidelines, 2015. Collection method: clinical testing. Allele origin: germline.

Blueprint Genetics
Classification: Likely benign. Last evaluated: 2024-06-27. Review status: criteria provided, single submitter. Criteria: ACMG Guidelines, 2015. Collection method: clinical testing. Allele origin: germline.

GeneDx
Classification: Likely benign. Last evaluated: 2016-08-29. Review status: criteria provided, single submitter. Criteria: GeneDx Variant Classification (06012015). Collection method: clinical testing. Allele origin: germline. Affected: yes.
Comment: This variant is considered likely benign or benign based on one or more of the following criteria: it is a conservative change, it occurs at a poorly conserved position in the protein, it is predicted to be benign by multiple in silico algorithms, and/or has population frequency not consistent with disease.